The following is an entry in ClinVar:

ClinVar aggregate classification (germline): Uncertain significance (1 of 4 stars; one submission).

Conditions:
Fanconi anemia (FA). Also called: Fanconi's anemia. Identifiers: Orphanet 84, MedGen C0015625, MeSH D005199, MONDO:0019391.

Submission:

Labcorp Genetics (formerly Invitae), Labcorp
Classification: Uncertain significance for Fanconi anemia. Last evaluated: 2025-09-28. Review status: criteria provided, single submitter. Criteria: Invitae Variant Classification Sherloc (09022015). Collection method: clinical testing. Allele origin: germline.
Comment: This sequence change replaces tyrosine, which is neutral and polar, with aspartic acid, which is acidic and polar, at codon 551 of the FANCG protein (p.Tyr551Asp). This variant is not present in population databases (gnomAD no frequency). This variant has not been reported in the literature in individuals affected with FANCG-related conditions. Invitae Evidence Modeling of protein sequence and biophysical properties (such as structural, functional, and spatial information, amino acid conservation, physicochemical variation, residue mobility, and thermodynamic stability) indicates that this missense variant is not expected to disrupt FANCG protein function with a negative predictive value of 80%. In summary, the available evidence is currently insufficient to determine the role of this variant in disease. Therefore, it has been classified as a Variant of Uncertain Significance.

NM_004629.2(FANCG):c.1651T>G (p.Tyr551Asp)

Gene: FANCG (FA complementation group G; minus strand). Cytogenetic location: 9p13.3.
Variant type: single nucleotide variant.
Coding change: c.1651T>G on transcript NM_004629.2 (MANE Select); coding-DNA position 1651, T replaced by G.
Protein change: p.Tyr551Asp; replaces tyrosine 551 with aspartic acid.
Molecular consequence: missense variant.
Genome position (GRCh38, 1-based): chr9:35,074,480, A>C on the plus strand (T>G on the coding strand, the complement: FANCG is on the minus strand). VCF-style: chr9-35074480-A-C. GRCh37 (hg19) VCF-style: chr9-35074477-A-C.
Other names: short protein forms Y551D.
Identifiers: ClinVar variation 4736845 (VCV004736845.1).
Genomic context (GRCh38, chr9:35,074,480, plus strand): 5'-AGAGTGCAGTGGCCTCATCCCTCCGATCTAGCCTCTTCAGAGTCTGAAGCAGGTGAAAGT[A>C]AGTGTCTCGATTACCTGTAGCCCCAGCCCAGAGTACAGAGTCTTAGAACTTGACATAGTC-3'
Protein context (NP_004620.1, residues 541-561): VQMCPGNRDT[Tyr551Asp]FHLLQTLKRL